The following is an entry in ClinVar:

ClinVar aggregate classification (germline): Uncertain significance. Review status: criteria provided, multiple submitters, no conflicts (2 of 4 stars). 3 submissions from 3 submitters: Uncertain significance (3). Last evaluated 2025-05-05.

Conditions:
Inborn genetic diseases. Identifiers: MedGen C0950123, MeSH D030342.

Allele frequency attached by ClinVar (database versions not stated): gnomAD exomes below 0.00001 and 0.00003; ExAC 0.00001; TOPMed 0.00001.
gnomAD v4.1: 47 of 1,613,944 alleles (0.0029%); highest among the groups gnomAD compares: Non-Finnish European, 0.004%; no homozygotes.

Submissions (3):

Labcorp Genetics (formerly Invitae), Labcorp
Classification: Uncertain significance. Last evaluated: 2025-05-05. Review status: criteria provided, single submitter. Criteria: Invitae Variant Classification Sherloc (09022015). Collection method: clinical testing. Allele origin: germline.
Comment: This sequence change replaces glutamic acid, which is acidic and polar, with glycine, which is neutral and non-polar, at codon 653 of the SAMD9 protein (p.Glu653Gly). This variant is present in population databases (rs774718479, gnomAD 0.0009%). This variant has not been reported in the literature in individuals affected with SAMD9-related conditions. ClinVar contains an entry for this variant (Variation ID: 1441758). Invitae Evidence Modeling of protein sequence and biophysical properties (such as structural, functional, and spatial information, amino acid conservation, physicochemical variation, residue mobility, and thermodynamic stability) has been performed for this missense variant. However, the output from this modeling did not meet the statistical confidence thresholds required to predict the impact of this variant on SAMD9 protein function. In summary, the available evidence is currently insufficient to determine the role of this variant in disease. Therefore, it has been classified as a Variant of Uncertain Significance.

Ambry Genetics
Classification: Uncertain significance for Inborn genetic diseases. Last evaluated: 2024-12-16. Review status: criteria provided, single submitter. Criteria: Ambry Variant Classification Scheme 2023. Collection method: clinical testing. Allele origin: germline.
Comment: The p.E653G variant (also known as c.1958A>G), located in coding exon 1 of the SAMD9 gene, results from an A to G substitution at nucleotide position 1958. The glutamic acid at codon 653 is replaced by glycine, an amino acid with similar properties. This amino acid position is conserved. In addition, the in silico prediction for this alteration is inconclusive. Based on the available evidence, the clinical significance of this variant remains unclear.

GeneDx
Classification: Uncertain significance. Last evaluated: 2023-10-12. Review status: criteria provided, single submitter. Criteria: GeneDx Variant Classification Process June 2021. Collection method: clinical testing. Allele origin: germline. Affected: yes.
Comment: Not observed at significant frequency in large population cohorts (gnomAD); In silico analysis supports that this missense variant has a deleterious effect on protein structure/function; Has not been previously published as pathogenic or benign to our knowledge

NM_017654.4(SAMD9):c.1958A>G (p.Glu653Gly)

Gene: SAMD9 (sterile alpha motif domain containing 9; minus strand). Cytogenetic location: 7q21.2.
Variant type: single nucleotide variant.
Coding change: c.1958A>G on transcript NM_017654.4 (MANE Select); coding-DNA position 1958, A replaced by G.
Protein change: p.Glu653Gly; replaces glutamic acid 653 with glycine.
Molecular consequence: missense variant.
Genome position (GRCh38, 1-based): chr7:93,104,140, T>C on the plus strand (A>G on the coding strand, the complement: SAMD9 is on the minus strand). VCF-style: chr7-93104140-T-C. GRCh37 (hg19) VCF-style: chr7-92733453-T-C.
Other names: c.1958A>G, p.Glu653Gly (NM_001193307.2); c.1958A>G (NM_017654.3); short protein forms E653G.
Identifiers: ClinVar variation 1441758 (VCV001441758.8), dbSNP rs774718479, ClinGen allele CA4342906.
Genomic context (GRCh38, chr7:93,104,140, plus strand): 5'-AGGAATTTATTTTTGTCCTTCTCTAACAGTGTACCCTCACATTCATTTTCACAGATAATT[T>C]CCAGAGCAGTCATGATATCTTCTTCCTTTTTCAGAAGGACAGTCGATAAACCAATAGATG-3'
Protein context (NP_060124.2, residues 643-663): KKEEDIMTAL[Glu653Gly]IICENECEGT